The following is an entry in ClinVar:

NM_000245.4(MET):c.110T>C (p.Val37Ala)

Gene: MET (MET proto-oncogene, receptor tyrosine kinase; plus strand). Cytogenetic location: 7q31.2.
Variant type: single nucleotide variant.
Coding change: c.110T>C on transcript NM_000245.4 (MANE Select); coding-DNA position 110, T replaced by C.
Protein change: p.Val37Ala; replaces valine 37 with alanine.
Molecular consequence: missense variant. On other transcripts: intron variant (1).
Genome position (GRCh38, 1-based): chr7:116,699,194, T>C. VCF-style: chr7-116699194-T-C. GRCh37 (hg19) VCF-style: chr7-116339248-T-C.
Other names: c.110T>C, p.Val37Ala (NM_001127500.3, NM_001324401.3); c.-91+26617T>C (NM_001324402.2); c.110T>C (NM_001127500.2); short protein forms V37A.
Identifiers: ClinVar variation 41610 (VCV000041610.47), dbSNP rs201315884, ClinGen allele CA160443.
Genomic context (GRCh38, chr7:116,699,194, plus strand): 5'-CCTTGGTGCAGAGGAGCAATGGGGAGTGTAAAGAGGCACTAGCAAAGTCCGAGATGAATG[T>C]GAATATGAAGTATCAGCTTCCCAACTTCACCGCGGAAACACCCATCCAGAATGTCATTCT-3'
Protein context (NP_000236.2, residues 27-47): KEALAKSEMN[Val37Ala]NMKYQLPNFT

ClinVar aggregate classification (germline): Benign/Likely benign. Review status: criteria provided, multiple submitters, no conflicts (2 of 4 stars). 14 submissions from 14 submitters: Benign (2); Likely benign (9). 3 of the submissions do not count toward it. Last evaluated 2026-02-04.

Conditions:
MET-related disorder. Also called: MET-related condition.
Renal cell carcinoma. Identifiers: Orphanet 217071, MedGen C0007134, MeSH D002292, MONDO:0005086, HP:0005584.
Hereditary cancer. Identifiers: MedGen C1333600.
Hereditary cancer-predisposing syndrome. Also called: Tumor predisposition; Neoplastic Syndromes, Hereditary; Hereditary Cancer Syndrome; Hereditary neoplastic syndrome. Identifiers: Orphanet 140162, MedGen C0027672, MeSH D009386, MONDO:0015356.
Papillary renal cell carcinoma type 1 (RCCP1). Also called: RENAL CELL CARCINOMA, PAPILLARY, 1, SOMATIC; Renal adenocarcinoma; Renal cell carcinoma 1; Renal cell carcinoma, somatic. Identifiers: Orphanet 47044, MedGen C1336839, OMIM 605074, HP:0011797.

Allele frequency attached by ClinVar (database versions not stated): TOPMed 0.00017; gnomAD 0.00025 and 0.00009; gnomAD exomes 0.00057 and 0.00101; 1000 Genomes Project 30x 0.00094; ExAC 0.00110; 1000 Genomes Project 0.00120; ESP Exome Variant Server 0.00008.
gnomAD v4.1: 879 of 1,613,956 alleles (0.054%); highest among the groups gnomAD compares: South Asian, 0.69%; 10 homozygotes.

Submissions (14):

Labcorp Genetics (formerly Invitae), Labcorp
Classification: Benign for Renal cell carcinoma. Last evaluated: 2026-02-04. Review status: criteria provided, single submitter. Criteria: Invitae Variant Classification Sherloc (09022015). Collection method: clinical testing. Allele origin: germline.

Dasa
Classification: Likely benign. Last evaluated: 2025-12-23. Review status: criteria provided, single submitter. Criteria: DASA Assertion Criteria. Collection method: clinical testing. Allele origin: germline.
Comment: NM_000245.4(MET):c.110T>C (p.Val37Ala) is a missense variant that results in the substitution of valine with alanine. Population frequency is inconsistent with a disease-causing role for this variant, and observations in unaffected individuals support a benign interpretation. Computational prediction algorithms are consistent with a benign effect. Therefore, based on the currently available evidence, this variant is classified as likely benign.

CeGaT Center for Human Genetics Tuebingen
Classification: Likely benign. Last evaluated: 2025-09-01. Review status: criteria provided, single submitter. Criteria: CeGaT Center For Human Genetics Tuebingen Variant Classification Criteria Version 2. Collection method: clinical testing. Allele origin: germline. Affected: yes. Observed: 2 variant alleles.
Comment: MET: BP4, BS1

Center for Genomic Medicine, Rigshospitalet, Copenhagen University Hospital
Classification: Likely benign. Last evaluated: 2025-03-04. Review status: criteria provided, single submitter. Criteria: ACMG Guidelines, 2015. Collection method: clinical testing. Allele origin: germline.
Comment: Classification criteria: BP4_moderate, (BS1)

Blueprint Genetics
Classification: Likely benign. Last evaluated: 2024-11-21. Review status: criteria provided, single submitter. Criteria: ACMG Guidelines, 2015. Collection method: clinical testing. Allele origin: germline.

Myriad Genetics, Inc.
Classification: Likely benign for Papillary renal cell carcinoma type 1. Last evaluated: 2024-11-06. Review status: criteria provided, single submitter. Criteria: Myriad Autosomal Dominant, Autosomal Recessive and X-Linked Classification Criteria (2023). Collection method: clinical testing. Allele origin: unknown.
Comment: This variant is considered likely benign. This variant has been observed at a population frequency that is significantly greater than expected given the associated disease prevalence and penetrance.

Mendelics
Classification: Likely benign for Hereditary cancer. Last evaluated: 2024-01-23. Review status: criteria provided, single submitter. Criteria: ACMG Guidelines, 2015. Collection method: clinical testing. Allele origin: unknown.

Sema4
Classification: Likely benign for Hereditary cancer-predisposing syndrome. Last evaluated: 2021-02-24. Review status: criteria provided, single submitter. Criteria: Sema4 Curation Guidelines. Collection method: curation. Allele origin: germline.

GeneDx
Classification: Likely benign. Last evaluated: 2020-12-15. Review status: criteria provided, single submitter. Criteria: GeneDx Variant Classification Process June 2021. Collection method: clinical testing. Allele origin: germline. Affected: yes.
Comment: This variant is associated with the following publications: (PMID: 22703879, 24728327)

Ambry Genetics
Classification: Likely benign for Hereditary cancer-predisposing syndrome. Last evaluated: 2019-05-04. Review status: criteria provided, single submitter. Criteria: Ambry Variant Classification Scheme 2023. Collection method: clinical testing. Allele origin: germline.

Illumina Laboratory Services, Illumina
Classification: Benign for Papillary renal cell carcinoma type 1. Last evaluated: 2018-01-13. Review status: criteria provided, single submitter. Criteria: ICSL Variant Classification Criteria 13 December 2019. Collection method: clinical testing. Allele origin: germline.
Comment: This variant was observed in the ICSL laboratory as part of a predisposition screen in an ostensibly healthy population. It had not been previously curated by ICSL or reported in the Human Gene Mutation Database (HGMD: prior to June 1st, 2018), and was therefore a candidate for classification through an automated scoring system. Utilizing variant allele frequency, disease prevalence and penetrance estimates, and inheritance mode, an automated score was calculated to assess if this variant is too frequent to cause the disease. Based on the score and internal cut-off values, a variant classified as benign is not then subjected to further curation. The score for this variant resulted in a classification of benign for this disease.

PreventionGenetics, part of Exact Sciences
Classification: Benign for MET-related condition. Last evaluated: 2024-08-23. Review status: no assertion criteria provided. Collection method: clinical testing. Allele origin: germline. Not counted in ClinVar's aggregate classification.
Comment: This variant is classified as benign based on ACMG/AMP sequence variant interpretation guidelines (Richards et al. 2015 PMID: 25741868, with internal and published modifications).

ITMI
No classification provided. Condition: AllHighlyPenetrant. Last evaluated: 2013-09-19. Review status: no classification provided. Collection method: reference population. Allele origin: germline. Not counted in ClinVar's aggregate classification.
Comment: Please see associated publication for description of ethnicities

Biesecker Lab/Clinical Genomics Section, National Institutes of Health
Classification: Uncertain significance. Last evaluated: 2012-07-13. Review status: no assertion criteria provided. Collection method: research. Allele origin: germline. Affected: no. Observed: 1 variant allele. Study: ClinSeq. Not counted in ClinVar's aggregate classification.
ClinVar note: Converted during submission from variant of unknown significance to Uncertain significance.

Literature cited by the submitters: PubMed 24728327 (cited by ITMI).